The following is an entry in ClinVar:

ClinVar aggregate classification (germline): Likely benign (1 of 4 stars; one submission).

Submission:

CeGaT Center for Human Genetics Tuebingen
Classification: Likely benign. Last evaluated: 2025-07-01. Review status: criteria provided, single submitter. Criteria: CeGaT Center For Human Genetics Tuebingen Variant Classification Criteria Version 2. Collection method: clinical testing. Allele origin: germline. Affected: yes. Observed: 1 variant allele.
Comment: PLIN4: BP4, BP7

NM_001367868.2(PLIN4):c.2154T>C (p.Ser718=)

Gene: PLIN4 (perilipin 4; minus strand). Cytogenetic location: 19p13.3.
Variant type: single nucleotide variant.
Coding change: c.2154T>C on transcript NM_001367868.2 (MANE Select); coding-DNA position 2154, T replaced by C.
Protein change: p.Ser718=; no amino-acid change (serine 718 retained).
Molecular consequence: synonymous variant.
Genome position (GRCh38, 1-based): chr19:4,511,806, A>G on the plus strand (T>C on the coding strand, the complement: PLIN4 is on the minus strand). VCF-style: chr19-4511806-A-G. GRCh37 (hg19) VCF-style: chr19-4511818-A-G.
Other names: c.2157T>C, p.Ser719= (NM_001393888.1, NM_001393889.1); c.2154T>C, p.Ser718= (NM_001393890.1, NM_001393891.1).
Identifiers: ClinVar variation 4083970 (VCV004083970.8).